The following is an entry in ClinVar:

ClinVar aggregate classification (germline): Uncertain significance. Review status: criteria provided, multiple submitters, no conflicts (2 of 4 stars). 4 submissions from 4 submitters: Uncertain significance (4). Last evaluated 2024-05-27.

Conditions:
Inborn genetic diseases. Identifiers: MedGen C0950123, MeSH D030342.
Pulmonary fibrosis and/or bone marrow failure, Telomere-related, 3. Also called: PULMONARY FIBROSIS AND/OR BONE MARROW FAILURE SYNDROME, TELOMERE-RELATED, 3. Identifiers: Orphanet 2032, MedGen C4225346, MONDO:0014613, OMIM 616373.
Dyskeratosis congenita, autosomal recessive 5 (DKCB5). Identifiers: MedGen C3554656, MONDO:0014076, OMIM 615190.
Dyskeratosis congenita. Identifiers: Orphanet 1775, MedGen C0265965, MONDO:0015780.

Allele frequency attached by ClinVar (database versions not stated): ExAC 0.00001; gnomAD exomes 0.00001; gnomAD 0.00003; TOPMed 0.00003.
gnomAD v4.1: 8 of 1,612,180 alleles (0.0005%); highest among the groups gnomAD compares: African/African-American, 0.011%; no homozygotes.

Submissions (4):

Labcorp Genetics (formerly Invitae), Labcorp
Classification: Uncertain significance for Dyskeratosis congenita, autosomal recessive 5; Pulmonary fibrosis and/or bone marrow failure, Telomere-related, 3. Last evaluated: 2024-05-27. Review status: criteria provided, single submitter. Criteria: Invitae Variant Classification Sherloc (09022015). Collection method: clinical testing. Allele origin: germline.
Comment: This sequence change replaces histidine, which is basic and polar, with proline, which is neutral and non-polar, at codon 854 of the RTEL1 protein (p.His854Pro). This variant is present in population databases (rs747542418, gnomAD 0.02%). This variant has not been reported in the literature in individuals affected with RTEL1-related conditions. ClinVar contains an entry for this variant (Variation ID: 1692619). Algorithms developed to predict the effect of missense changes on protein structure and function output the following: SIFT: "Not Available"; PolyPhen-2: "Benign"; Align-GVGD: "Not Available". The proline amino acid residue is found in multiple mammalian species, which suggests that this missense change does not adversely affect protein function. In summary, the available evidence is currently insufficient to determine the role of this variant in disease. Therefore, it has been classified as a Variant of Uncertain Significance.

Fulgent Genetics
Classification: Uncertain significance for Dyskeratosis congenita, autosomal recessive 5; Pulmonary fibrosis and/or bone marrow failure, Telomere-related, 3. Last evaluated: 2024-02-15. Review status: criteria provided, single submitter. Criteria: ACMG Guidelines, 2015. Collection method: clinical testing. Allele origin: germline.

Ambry Genetics
Classification: Uncertain significance for Inborn genetic diseases. Last evaluated: 2022-11-08. Review status: criteria provided, single submitter. Criteria: Ambry Variant Classification Scheme 2023. Collection method: clinical testing. Allele origin: germline.

Sema4
Classification: Uncertain significance for Dyskeratosis congenita. Last evaluated: 2021-11-30. Review status: criteria provided, single submitter. Criteria: Sema4 Curation Guidelines. Collection method: curation. Allele origin: germline.
Comment: The RTEL1 c.2561A>C (p.H854P) variant has not been reported in the literature to our knowledge. It was observed in 4/24802 chromosomes in the African/African American subpopulation according to the Genome Aggregation Database (PMID: 32461654). This variant has not been reported in ClinVar. In silico tools suggest the impact of the variant on protein function is benign, though these predictions have not been confirmed by functional studies. The evidence is insufficient to meet ACMG/AMP criteria for classifying the variant as benign or pathogenic. Thus, the clinical significance of this variant is currently uncertain.

NM_001283009.2(RTEL1):c.2561A>C (p.His854Pro)

Genes: RTEL1 (regulator of telomere elongation helicase 1; plus strand), RTEL1-TNFRSF6B (RTEL1-TNFRSF6B readthrough (NMD candidate); plus strand). Cytogenetic location: 20q13.33.
Variant type: single nucleotide variant.
Coding change: c.2561A>C on transcript NM_001283009.2 (MANE Select); coding-DNA position 2561, A replaced by C.
Protein change: p.His854Pro; replaces histidine 854 with proline.
Molecular consequence: missense variant. On other transcripts: non-coding transcript variant (1).
Genome position (GRCh38, 1-based): chr20:63,691,746, A>C. VCF-style: chr20-63691746-A-C. GRCh37 (hg19) VCF-style: chr20-62323099-A-C.
Other names: c.1892A>C, p.His631Pro (NM_001283010.1); c.2633A>C (NM_032957.4); c.2561A>C, p.His854Pro (NM_016434.4); c.2633A>C, p.His878Pro (NM_032957.5); short protein forms H631P, H854P, H878P.
Identifiers: ClinVar variation 1692619 (VCV001692619.6), dbSNP rs747542418, ClinGen allele CA9965414.